The following is an entry in ClinVar:

NM_001122630.2(CDKN1C):c.727_747del (p.Thr243_Asn249del)

Gene: CDKN1C (cyclin dependent kinase inhibitor 1C; minus strand). Cytogenetic location: 11p15.4.
Variant type: Deletion.
Coding change: c.727_747del on transcript NM_001122630.2 (MANE Select); coding-DNA positions 727 to 747, 21 bases deleted (ACCGCGGCCGCCAGCGCCAAC).
Protein change: p.Thr243_Asn249del.
Molecular consequence: inframe deletion. On other transcripts: intron variant (1).
Genome position (GRCh38, 1-based): chr11:2,884,710-2,884,730, GTTGGCGCTGGCGGCCGCGGT deleted on the plus strand (ACCGCGGCCGCCAGCGCCAAC on the coding strand, the reverse complement: CDKN1C is on the minus strand); deleting any 21 consecutive bases within chr11:2,884,710-2,884,731 gives the same sequence; the c. name uses the placement nearest the transcript's 3' end. VCF-style (leftmost placement, unchanged base first): chr11-2884709-CGTTGGCGCTGGCGGCCGCGGT-C. GRCh37 (hg19) VCF-style: chr11-2905939-CGTTGGCGCTGGCGGCCGCGGT-C.
Other names: c.760_780del, p.Thr254_Asn260del (NM_000076.2, NM_001362474.2); c.727_747del, p.Thr243_Asn249del (NM_001122631.2); c.255+472_255+492del (NM_001362475.2).
Identifiers: ClinVar variation 1414288 (VCV001414288.8), dbSNP rs1848917841, ClinGen allele CA1948368294.

ClinVar aggregate classification (germline): Uncertain significance (1 of 4 stars; one submission).

Conditions:
Beckwith-Wiedemann syndrome (BWS). Also called: Exomphalos macroglossia gigantism syndrome; EMG SYNDROME. Identifiers: Orphanet 116, MedGen C0004903, MONDO:0007534, OMIM 130650.

Submission:

Labcorp Genetics (formerly Invitae), Labcorp
Classification: Uncertain significance for Beckwith-Wiedemann syndrome. Last evaluated: 2023-02-18. Review status: criteria provided, single submitter. Criteria: Invitae Variant Classification Sherloc (09022015). Collection method: clinical testing. Allele origin: germline.
Comment: In summary, the available evidence is currently insufficient to determine the role of this variant in disease. Therefore, it has been classified as a Variant of Uncertain Significance. Experimental studies and prediction algorithms are not available or were not evaluated, and the functional significance of this variant is currently unknown. ClinVar contains an entry for this variant (Variation ID: 1414288). This variant has not been reported in the literature in individuals affected with CDKN1C-related conditions. This variant is not present in population databases (gnomAD no frequency). This variant, c.760_780del, results in the deletion of 7 amino acid(s) of the CDKN1C protein (p.Thr254_Asn260del), but otherwise preserves the integrity of the reading frame.